The following is an entry in ClinVar:

NC_000004.12:g.(?_54258759)_(54658091_?)dup

Genes: KIT (KIT proto-oncogene, receptor tyrosine kinase; plus strand), PDGFRA (platelet derived growth factor receptor alpha; plus strand). Cytogenetic location: 4q12.
Variant type: Duplication.
Identifiers: ClinVar variation 832693 (VCV000832693.1).

ClinVar aggregate classification (germline): Uncertain significance (1 of 4 stars; one submission).

Conditions:
Gastrointestinal stromal tumor. Also called: Gastrointestinal stromal tumor, somatic; Gastrointestinal stroma tumor. Identifiers: Orphanet 44890, MedGen C0238198, MeSH D046152, MONDO:0011719, OMIM 606764, HP:0100723.

Submission:

Labcorp Genetics (formerly Invitae), Labcorp
Classification: Uncertain significance for Gastrointestinal stroma tumor. Last evaluated: 2019-07-10. Review status: criteria provided, single submitter. Criteria: Invitae Variant Classification Sherloc (09022015). Collection method: clinical testing. Allele origin: germline.
Comment: This variant results in a copy number gain of the genomic region encompassing exon 1 of the KIT gene. The 5' end of this event is unknown as it extends beyond the assayed region for this gene and therefore may encompass additional genes. The 3' boundary is likely confined to intron 1 of the KIT gene. As the precise location of this event is unknown, it may be in tandem or it may be located elsewhere in the genome. This variant has not been reported in the literature in individuals with KIT-related disease. In summary, the available evidence is currently insufficient to determine the role of this variant in disease. Therefore, it has been classified as a Variant of Uncertain Significance.